The following is an entry in ClinVar:

NM_001374828.1(ARID1B):c.6604C>G (p.Gln2202Glu)

Gene: ARID1B (AT-rich interaction domain 1B; plus strand). Cytogenetic location: 6q25.3.
Variant type: single nucleotide variant.
Coding change: c.6604C>G on transcript NM_001374828.1 (MANE Select); coding-DNA position 6604, C replaced by G.
Protein change: p.Gln2202Glu; replaces glutamine 2202 with glutamic acid.
Molecular consequence: missense variant.
Genome position (GRCh38, 1-based): chr6:157,207,376, C>G. VCF-style: chr6-157207376-C-G. GRCh37 (hg19) VCF-style: chr6-157528510-C-G.
Other names: c.6355C>G, p.Gln2119Glu (NM_001346813.1); c.4105C>G, p.Gln1369Glu (NM_001363725.2); c.6484C>G, p.Gln2162Glu (NM_001371656.1, NM_001374820.1); c.6445C>G, p.Gln2149Glu (NM_017519.3); c.6235C>G, p.Gln2079Glu (NM_020732.3); c.6022C>G, p.Gln2008Glu (NM_175863.2); short protein forms Q2008E, Q2149E, Q2202E, Q1369E, Q2162E, Q2079E, Q2119E.
Identifiers: ClinVar variation 2136053 (VCV002136053.3), dbSNP rs1554237982, ClinGen allele CA366248645.

ClinVar aggregate classification (germline): Uncertain significance (1 of 4 stars; one submission).

Submission:

GeneDx
Classification: Uncertain significance. Last evaluated: 2025-03-25. Review status: criteria provided, single submitter. Criteria: GeneDx Variant Classification Process June 2021. Collection method: clinical testing. Allele origin: germline. Affected: yes.
Comment: Not observed at significant frequency in large population cohorts (gnomAD); In silico analysis supports that this missense variant has a deleterious effect on protein structure/function; Has not been previously published as pathogenic or benign to our knowledge